The following is an entry in ClinVar:

NM_007294.4(BRCA1):c.3759_3760insTT (p.Lys1254fs)

Genes: BRCA1 (BRCA1 DNA repair associated; minus strand), LOC126862571 (BRD4-independent group 4 enhancer GRCh37_chr17:41243136-41244335; plus strand). Cytogenetic location: 17q21.31.
Variant type: Insertion.
Coding change: c.3759_3760insTT on transcript NM_007294.4 (MANE Select); coding-DNA positions 3759 to 3760, TT inserted.
Protein change: p.Lys1254fs; shifts the reading frame from lysine 1254.
Molecular consequence: frameshift variant. On other transcripts: intron variant (135).
Genome position: GRCh38 VCF-style: chr17-43091771-T-TAA. GRCh37 (hg19) VCF-style: chr17-41243788-T-TAA.
Other names: c.3546_3547insTT, p.Lys1183fs (NM_001407571.1, NM_001407853.1, NM_001407894.1 and 9 more transcripts); c.3759_3760insTT, p.Lys1254fs (NM_001407581.1, NM_001407582.1, NM_001407583.1 and 30 more transcripts); c.3756_3757insTT, p.Lys1253fs (NM_001407587.1, NM_001407590.1, NM_001407591.1 and 22 more transcripts); c.3750_3751insTT, p.Lys1251fs (NM_001407646.1, NM_001407647.1); c.3636_3637insTT, p.Lys1213fs (NM_001407648.1, NM_001407664.1, NM_001407665.1 and 19 more transcripts); c.3633_3634insTT, p.Lys1212fs (NM_001407649.1, NM_001407670.1, NM_001407671.1 and 11 more transcripts); c.3681_3682insTT, p.Lys1228fs (NM_001407653.1, NM_001407654.1, NM_001407655.1 and 4 more transcripts); c.3678_3679insTT, p.Lys1227fs (NM_001407659.1, NM_001407660.1, NM_001407661.1 and 1 more transcripts); and 41 more; short protein forms K1207fs, K1254fs, K1142fs, K1143fs, K1165fs, K1213fs, K1228fs, K1251fs.
Identifiers: ClinVar variation 1075602 (VCV001075602.8), dbSNP rs80357687, ClinGen allele CA2499224454.

ClinVar aggregate classification (germline): Pathogenic (1 of 4 stars; one submission).

Conditions:
Hereditary breast ovarian cancer syndrome. Also called: Hereditary breast and ovarian cancer; Breast and ovarian cancer; BRCA1- and BRCA2-Associated Hereditary Breast and Ovarian Cancer; Hereditary breast and/or ovarian cancer syndrome; Hereditary breast and ovarian cancer syndrome; Hereditary breast and ovarian cancer syndrome (HBOC). Identifiers: Orphanet 145, MedGen C0677776, MeSH D061325, MONDO:0003582. Disease mechanism: loss of function.

Submission:

Labcorp Genetics (formerly Invitae), Labcorp
Classification: Pathogenic for Hereditary breast ovarian cancer syndrome. Last evaluated: 2022-02-01. Review status: criteria provided, single submitter. Criteria: Invitae Variant Classification Sherloc (09022015). Collection method: clinical testing. Allele origin: germline.
Comment: For these reasons, this variant has been classified as Pathogenic. ClinVar contains an entry for this variant (Variation ID: 1075602). This variant has not been reported in the literature in individuals affected with BRCA1-related conditions. This variant is not present in population databases (gnomAD no frequency). This sequence change creates a premature translational stop signal (p.Lys1254Leufs*11) in the BRCA1 gene. It is expected to result in an absent or disrupted protein product. Loss-of-function variants in BRCA1 are known to be pathogenic (PMID: 20104584).

Literature cited by the submitters: PubMed 20104584.